The following is an entry in ClinVar:

ClinVar aggregate classification (germline): Uncertain significance (1 of 4 stars; one submission).

Allele frequency attached by ClinVar (database versions not stated): gnomAD 0.00001; TOPMed 0.00001; gnomAD exomes 0.00002.
gnomAD v4.1: 29 of 1,613,616 alleles (0.0018%); highest among the groups gnomAD compares: Middle Eastern, 0.016%; no homozygotes.

Submission:

Labcorp Genetics (formerly Invitae), Labcorp
Classification: Uncertain significance. Last evaluated: 2022-08-10. Review status: criteria provided, single submitter. Criteria: Invitae Variant Classification Sherloc (09022015). Collection method: clinical testing. Allele origin: germline.
Comment: This sequence change replaces arginine, which is basic and polar, with histidine, which is basic and polar, at codon 651 of the HPS1 protein (p.Arg651His). This variant is present in population databases (rs771974245, gnomAD 0.003%). This variant has not been reported in the literature in individuals affected with HPS1-related conditions. Algorithms developed to predict the effect of missense changes on protein structure and function are either unavailable or do not agree on the potential impact of this missense change (SIFT: "Deleterious"; PolyPhen-2: "Probably Damaging"; Align-GVGD: "Class C0"). In summary, the available evidence is currently insufficient to determine the role of this variant in disease. Therefore, it has been classified as a Variant of Uncertain Significance.

NM_000195.5(HPS1):c.1952G>A (p.Arg651His)

Gene: HPS1 (HPS1 biogenesis of lysosomal organelles complex 3 subunit 1; minus strand). Cytogenetic location: 10q24.2.
Variant type: single nucleotide variant.
Coding change: c.1952G>A on transcript NM_000195.5 (MANE Select); coding-DNA position 1952, G replaced by A.
Protein change: p.Arg651His; replaces arginine 651 with histidine.
Molecular consequence: missense variant.
Genome position (GRCh38, 1-based): chr10:98,417,715, C>T on the plus strand (G>A on the coding strand, the complement: HPS1 is on the minus strand). VCF-style: chr10-98417715-C-T. GRCh37 (hg19) VCF-style: chr10-100177472-C-T.
Other names: c.980G>A, p.Arg327His (NM_001311345.2, NM_001322487.2, NM_001322489.2); c.1952G>A, p.Arg651His (NM_001322476.2, NM_001322477.2); c.1853G>A, p.Arg618His (NM_001322478.2, NM_001322479.2); c.1691G>A, p.Arg564His (NM_001322480.2, NM_001322481.2); c.1592G>A, p.Arg531His (NM_001322482.2); c.1583G>A, p.Arg528His (NM_001322483.2, NM_001322484.2); c.1484G>A, p.Arg495His (NM_001322485.2); short protein forms R327H, R528H, R564H, R618H, R495H, R531H, R651H.
Identifiers: ClinVar variation 2137437 (VCV002137437.1), dbSNP rs771974245, ClinGen allele CA212757841.
Genomic context (GRCh38, chr10:98,417,715, plus strand): 5'-TGCAGGGCCAGCAGCTCGTAGCACCTGACAGCCTCGGTTGGGCGGTTCTTGCTGTAGTAG[C>T]GCAGGAGCTTCCTGGGGAGGAAGGGGAGGATGGGATTCAGGAGTGAGGCTGTGGCACTCC-3'
Protein context (NP_000186.2, residues 641-661): LGGDYYRKLL[Arg651His]YYSKNRPTEA